The following is an entry in ClinVar:

ClinVar aggregate classification (germline): Uncertain significance. Review status: criteria provided, multiple submitters, no conflicts (2 of 4 stars). 3 submissions from 3 submitters: Uncertain significance (3). Last evaluated 2025-11-26.

Conditions:
Progressive sclerosing poliodystrophy (MTDPS4A). Also called: Alpers Syndrome; ALPERS PROGRESSIVE INFANTILE POLIODYSTROPHY; Mitochondrial DNA depletion syndrome 4A (Alpers type); ALPERS DIFFUSE DEGENERATION OF CEREBRAL GRAY MATTER WITH HEPATIC CIRRHOSIS; Alpers-Huttenlocher Syndrome; Alpers-Huttenlocher Syndrome (AHS). Identifiers: Orphanet 726, MedGen C0205710, MONDO:0008758, OMIM 203700.
Inborn genetic diseases. Identifiers: MedGen C0950123, MeSH D030342.

Allele frequency attached by ClinVar (database versions not stated): TOPMed below 0.00001.
gnomAD v4.1: 2 of 1,563,292 alleles (0.00013%); highest among the groups gnomAD compares: Non-Finnish European, 0.00017%; no homozygotes.

Submissions (3):

Ambry Genetics
Classification: Uncertain significance for Inborn genetic diseases. Last evaluated: 2025-11-26. Review status: criteria provided, single submitter. Criteria: Ambry Variant Classification Scheme 2023. Collection method: clinical testing. Allele origin: germline.

Labcorp Genetics (formerly Invitae), Labcorp
Classification: Uncertain significance for Progressive sclerosing poliodystrophy. Last evaluated: 2025-06-02. Review status: criteria provided, single submitter. Criteria: Invitae Variant Classification Sherloc (09022015). Collection method: clinical testing. Allele origin: germline.
Comment: This sequence change replaces proline, which is neutral and non-polar, with leucine, which is neutral and non-polar, at codon 167 of the POLG protein (p.Pro167Leu). This variant is not present in population databases (gnomAD no frequency). This variant has not been reported in the literature in individuals affected with POLG-related conditions. ClinVar contains an entry for this variant (Variation ID: 1520784). Invitae Evidence Modeling of protein sequence and biophysical properties (such as structural, functional, and spatial information, amino acid conservation, physicochemical variation, residue mobility, and thermodynamic stability) indicates that this missense variant is not expected to disrupt POLG protein function with a negative predictive value of 95%. In summary, the available evidence is currently insufficient to determine the role of this variant in disease. Therefore, it has been classified as a Variant of Uncertain Significance.

Blueprint Genetics
Classification: Uncertain significance. Last evaluated: 2024-05-15. Review status: criteria provided, single submitter. Criteria: ACMG Guidelines, 2015. Collection method: clinical testing. Allele origin: germline.

NM_002693.3(POLG):c.500C>T (p.Pro167Leu)

Genes: POLG (DNA polymerase gamma, catalytic subunit; minus strand), POLGARF (POLG alternative reading frame; minus strand). Cytogenetic location: 15q26.1.
Variant type: single nucleotide variant.
Coding change: c.500C>T on transcript NM_002693.3 (MANE Select); coding-DNA position 500, C replaced by T.
Protein change: p.Pro167Leu; replaces proline 167 with leucine.
Molecular consequence: missense variant.
Genome position (GRCh38, 1-based): chr15:89,333,255, G>A on the plus strand (C>T on the coding strand, the complement: POLG is on the minus strand). VCF-style: chr15-89333255-G-A. GRCh37 (hg19) VCF-style: chr15-89876486-G-A.
Other names: c.500C>T, p.Pro167Leu (NM_001126131.2); c.500C>T (NM_002693.2); short protein forms P167L.
Identifiers: ClinVar variation 1520784 (VCV001520784.8), dbSNP rs1424057005, ClinGen allele CA393771248.